The following is an entry in ClinVar:

NM_015100.4(POGZ):c.2375A>G (p.Asn792Ser)

Gene: POGZ (pogo transposable element derived with ZNF domain; minus strand). Cytogenetic location: 1q21.3.
Variant type: single nucleotide variant.
Coding change: c.2375A>G on transcript NM_015100.4 (MANE Select); coding-DNA position 2375, A replaced by G.
Protein change: p.Asn792Ser; replaces asparagine 792 with serine.
Molecular consequence: missense variant.
Genome position (GRCh38, 1-based): chr1:151,408,100, T>C on the plus strand (A>G on the coding strand, the complement: POGZ is on the minus strand). VCF-style: chr1-151408100-T-C. GRCh37 (hg19) VCF-style: chr1-151380576-T-C.
Other names: c.2348A>G, p.Asn783Ser (NM_001194937.2); c.2189A>G, p.Asn730Ser (NM_001194938.2); c.2090A>G, p.Asn697Ser (NM_145796.4); c.2216A>G, p.Asn739Ser (NM_207171.2); short protein forms N697S, N730S, N739S, N783S, N792S.
Identifiers: ClinVar variation 1030406 (VCV001030406.1), dbSNP rs1202818073, ClinGen allele CA341954755.

ClinVar aggregate classification (germline): Uncertain significance (1 of 4 stars; one submission).

Conditions:
Intellectual disability-microcephaly-strabismus-behavioral abnormalities syndrome. Also called: White-Sutton Syndrome. Identifiers: Orphanet 468678, MedGen C4225351, MONDO:0014606, OMIM 616364.

Allele frequency attached by ClinVar (database versions not stated): gnomAD exomes below 0.00001.
gnomAD v4.1: 2 of 1,608,178 alleles (0.00012%); no homozygotes.

Submission:

Baylor Genetics
Classification: Uncertain significance for Intellectual disability-microcephaly-strabismus-behavioral abnormalities syndrome. Last evaluated: 2020-03-20. Review status: criteria provided, single submitter. Criteria: ACMG Guidelines, 2015. Collection method: clinical testing. Allele origin: unknown. Affected: yes.
Comment: This variant was determined to be of uncertain significance according to ACMG Guidelines, 2015 [PMID:25741868].